The following is an entry in ClinVar:

NM_021912.5(GABRB3):c.68C>T (p.Ser23Phe)

Gene: GABRB3 (gamma-aminobutyric acid type A receptor subunit beta3; minus strand). Cytogenetic location: 15q12.
Variant type: single nucleotide variant.
Coding change: c.68C>T on transcript NM_021912.5; coding-DNA position 68, C replaced by T.
Protein change: p.Ser23Phe; replaces serine 23 with phenylalanine.
Molecular consequence: missense variant.
Genome position (GRCh38, 1-based): chr15:26,773,657, G>A on the plus strand (C>T on the coding strand, the complement: GABRB3 is on the minus strand). VCF-style: chr15-26773657-G-A. GRCh37 (hg19) VCF-style: chr15-27018804-G-A.
Other names: short protein forms S23F.
Identifiers: ClinVar variation 2582928 (VCV002582928.23), dbSNP rs1249184282, ClinGen allele CA391465745.

ClinVar aggregate classification (germline): Uncertain significance (1 of 4 stars; one submission).

Allele frequency attached by ClinVar (database versions not stated): gnomAD exomes below 0.00001; gnomAD 0.00001; TOPMed 0.00001.
gnomAD v4.1: 5 of 1,567,924 alleles (0.00032%); highest among the groups gnomAD compares: South Asian, 0.0012%; 1 homozygote.

Submission:

CeGaT Center for Human Genetics Tuebingen
Classification: Uncertain significance. Last evaluated: 2023-09-01. Review status: criteria provided, single submitter. Criteria: CeGaT Center For Human Genetics Tuebingen Variant Classification Criteria Version 2. Collection method: clinical testing. Allele origin: germline. Affected: yes. Observed: 1 variant allele.
Comment: GABRB3: PM2, PP2, BP4